The following is an entry in ClinVar:

NM_002734.5(PRKAR1A):c.360A>C (p.Lys120Asn)

Gene: PRKAR1A (protein kinase cAMP-dependent type I regulatory subunit alpha; plus strand). Cytogenetic location: 17q24.2.
Variant type: single nucleotide variant.
Coding change: c.360A>C on transcript NM_002734.5 (MANE Select); coding-DNA position 360, A replaced by C.
Protein change: p.Lys120Asn; replaces lysine 120 with asparagine.
Molecular consequence: missense variant.
Genome position (GRCh38, 1-based): chr17:68,523,736, A>C. VCF-style: chr17-68523736-A-C. GRCh37 (hg19) VCF-style: chr17-66519877-A-C.
Other names: c.360A>C, p.Lys120Asn (NM_001276289.2, NM_001276290.1, NM_001278433.2 and 4 more transcripts); short protein forms K120N.
Identifiers: ClinVar variation 4862520 (VCV004862520.1).

ClinVar aggregate classification (germline): Uncertain significance (1 of 4 stars; one submission).

Conditions:
Hereditary cancer-predisposing syndrome. Also called: Neoplastic Syndromes, Hereditary; Tumor predisposition; Hereditary Cancer Syndrome; Hereditary neoplastic syndrome. Identifiers: Orphanet 140162, MedGen C0027672, MeSH D009386, MONDO:0015356.

Submission:

Ambry Genetics
Classification: Uncertain significance for Hereditary cancer-predisposing syndrome. Last evaluated: 2026-05-19. Review status: criteria provided, single submitter. Criteria: Ambry Variant Classification Scheme 2023. Collection method: clinical testing. Allele origin: germline.
Comment: The p.K120N variant (also known as c.360A>C), located in coding exon 3 of the PRKAR1A gene, results from an A to C substitution at nucleotide position 360. The lysine at codon 120 is replaced by asparagine, an amino acid with similar properties. This amino acid position is conserved. In addition, this alteration is predicted to be deleterious by in silico analysis. Based on the available evidence, the clinical significance of this variant remains unclear.